The following is an entry in ClinVar:

NM_148897.3(SDR9C7):c.363G>A (p.Leu121=)

Gene: SDR9C7 (short chain dehydrogenase/reductase family 9C member 7; minus strand). Cytogenetic location: 12q13.3.
Variant type: single nucleotide variant.
Coding change: c.363G>A on transcript NM_148897.3 (MANE Select); coding-DNA position 363, G replaced by A.
Protein change: p.Leu121=; no amino-acid change (leucine 121 retained).
Molecular consequence: synonymous variant.
Genome position (GRCh38, 1-based): chr12:56,930,423, C>T on the plus strand (G>A on the coding strand, the complement: SDR9C7 is on the minus strand). VCF-style: chr12-56930423-C-T. GRCh37 (hg19) VCF-style: chr12-57324207-C-T.
Identifiers: ClinVar variation 1711344 (VCV001711344.31), dbSNP rs746461247, ClinGen allele CA6638177.

ClinVar aggregate classification (germline): Likely benign. Review status: criteria provided, multiple submitters, no conflicts (2 of 4 stars). 2 submissions from 2 submitters: Likely benign (2). Last evaluated 2026-01-19.

Allele frequency attached by ClinVar (database versions not stated): ExAC 0.00001; gnomAD 0.00001; gnomAD exomes 0.00001; TOPMed 0.00001.

Submissions (2):

Labcorp Genetics (formerly Invitae), Labcorp
Classification: Likely benign. Last evaluated: 2026-01-19. Review status: criteria provided, single submitter. Criteria: Invitae Variant Classification Sherloc (09022015). Collection method: clinical testing. Allele origin: germline.

CeGaT Center for Human Genetics Tuebingen
Classification: Likely benign. Last evaluated: 2022-08-01. Review status: criteria provided, single submitter. Criteria: CeGaT Center For Human Genetics Tuebingen Variant Classification Criteria Version 2. Collection method: clinical testing. Allele origin: germline. Affected: yes. Observed: 1 variant allele.
Comment: SDR9C7: BP4